The following is an entry in ClinVar:

ClinVar aggregate classification (germline): Pathogenic (1 of 4 stars; one submission).

Conditions:
Duchenne muscular dystrophy (DMD). Also called: MUSCULAR DYSTROPHY, PSEUDOHYPERTROPHIC PROGRESSIVE, DUCHENNE TYPE; Duchenne Muscular Dystrophy (DMD). Identifiers: Orphanet 98896, MedGen C0013264, MONDO:0010679, OMIM 310200.

Submission:

Labcorp Genetics (formerly Invitae), Labcorp
Classification: Pathogenic for Duchenne muscular dystrophy. Last evaluated: 2022-04-25. Review status: criteria provided, single submitter. Criteria: Invitae Variant Classification Sherloc (09022015). Collection method: clinical testing. Allele origin: germline.
Comment: For these reasons, this variant has been classified as Pathogenic. ClinVar contains an entry for this variant (Variation ID: 1322380). This premature translational stop signal has been observed in individual(s) with Becker muscular dystrophy (PMID: 16770791, 19937601). This variant is not present in population databases (gnomAD no frequency). This sequence change creates a premature translational stop signal (p.Glu1800*) in the DMD gene. It is expected to result in an absent or disrupted protein product. Loss-of-function variants in DMD are known to be pathogenic (PMID: 16770791, 25007885).

Literature cited by the submitters: PubMed 16770791; PubMed 19937601; PubMed 25007885.

NM_004006.3(DMD):c.5398G>T (p.Glu1800Ter)

Gene: DMD (dystrophin; minus strand). Cytogenetic location: Xp21.1.
Variant type: single nucleotide variant.
Coding change: c.5398G>T on transcript NM_004006.3 (MANE Select); coding-DNA position 5398, G replaced by T.
Protein change: p.Glu1800Ter; replaces glutamic acid 1800 with a stop codon.
Molecular consequence: nonsense.
Genome position (GRCh38, 1-based): chrX:32,348,456, C>A on the plus strand (G>T on the coding strand, the complement: DMD is on the minus strand). VCF-style: chrX-32348456-C-A. GRCh37 (hg19) VCF-style: chrX-32366573-C-A.
Other names: c.5374G>T, p.Glu1792Ter (NM_000109.4); c.5386G>T, p.Glu1796Ter (NM_004009.3); c.5029G>T, p.Glu1677Ter (NM_004010.3); c.1375G>T, p.Glu459Ter (NM_004011.4); c.1366G>T, p.Glu456Ter (NM_004012.4); short protein forms E1677*, E1792*, E1796*, E1800*, E456*, E459*.
Identifiers: ClinVar variation 1322380 (VCV001322380.6), dbSNP rs2147064556, ClinGen allele CA412667813.